The following is an entry in ClinVar:

NM_000069.3(CACNA1S):c.2144C>T (p.Pro715Leu)

Gene: CACNA1S (calcium voltage-gated channel subunit alpha1 S; minus strand). Cytogenetic location: 1q32.1.
Variant type: single nucleotide variant.
Coding change: c.2144C>T on transcript NM_000069.3 (MANE Select); coding-DNA position 2144, C replaced by T.
Protein change: p.Pro715Leu; replaces proline 715 with leucine.
Molecular consequence: missense variant.
Genome position (GRCh38, 1-based): chr1:201,073,562, G>A on the plus strand (C>T on the coding strand, the complement: CACNA1S is on the minus strand). VCF-style: chr1-201073562-G-A. GRCh37 (hg19) VCF-style: chr1-201042690-G-A.
Other names: c.2144C>T (NM_000069.2); short protein forms P715L.
Identifiers: ClinVar variation 3577317 (VCV003577317.2).

ClinVar aggregate classification (germline): Uncertain significance. Review status: criteria provided, multiple submitters, no conflicts (2 of 4 stars). 2 submissions from 2 submitters: Uncertain significance (2). Last evaluated 2025-03-21.

Conditions:
Malignant hyperthermia, susceptibility to, 5 (MHS5). Also called: CACNA1S-Related Malignant Hyperthermia Susceptibility. Identifiers: Orphanet 423, MedGen C1866077, MONDO:0011163, OMIM 601887.
Hypokalemic periodic paralysis, type 1. Also called: Hypokalemic Periodic Paralysis Type 1 (AD); HypoPP. Identifiers: Orphanet 681, MedGen C3714580, MONDO:0042979, OMIM 170400.
Congenital myopathy 18. Also called: Myopathy, congenital, due to dihydropyridine receptor defect; DIHYDROPYRIDINE RECEPTOR CONGENITAL MYOPATHY; DHPR CONGENITAL MYOPATHY. Identifiers: MedGen C5830283, MONDO:0859514, OMIM 620246.
Thyrotoxic periodic paralysis, susceptibility to, 1 (TTPP1). Identifiers: Orphanet 79102, MedGen C2749982, MONDO:0008570, OMIM 188580.

gnomAD v4.1: 1 of 1,613,392 alleles (0.000062%); highest among the groups gnomAD compares: Non-Finnish European, 0.000085%; no homozygotes.

Submissions (2):

GeneDx
Classification: Uncertain significance. Last evaluated: 2025-03-21. Review status: criteria provided, single submitter. Criteria: GeneDx Variant Classification Process June 2021. Collection method: clinical testing. Allele origin: germline. Affected: yes.
Comment: Not observed at significant frequency in large population cohorts (gnomAD); In silico analysis supports that this missense variant has a deleterious effect on protein structure/function; Has not been previously published as pathogenic or benign to our knowledge

Fulgent Genetics
Classification: Uncertain significance for Hypokalemic periodic paralysis, type 1; Thyrotoxic periodic paralysis, susceptibility to, 1; Malignant hyperthermia, susceptibility to, 5; Congenital myopathy 18. Last evaluated: 2024-04-04. Review status: criteria provided, single submitter. Criteria: ACMG Guidelines, 2015. Collection method: clinical testing. Allele origin: germline.